The following is an entry in ClinVar:

ClinVar aggregate classification (germline): Uncertain significance (1 of 4 stars; one submission).

gnomAD v4.1: 8 of 1,613,848 alleles (0.0005%); highest among the groups gnomAD compares: East Asian, 0.0022%; no homozygotes.

Submission:

Labcorp Genetics (formerly Invitae), Labcorp
Classification: Uncertain significance. Last evaluated: 2025-08-18. Review status: criteria provided, single submitter. Criteria: Invitae Variant Classification Sherloc (09022015). Collection method: clinical testing. Allele origin: germline.
Comment: This sequence change replaces arginine, which is basic and polar, with cysteine, which is neutral and slightly polar, at codon 718 of the XPO5 protein (p.Arg718Cys). This variant is not present in population databases (gnomAD no frequency). This variant has not been reported in the literature in individuals affected with XPO5-related conditions. An algorithm developed to predict the effect of missense changes on protein structure and function (PolyPhen-2) suggests that this variant is likely to be disruptive. In summary, the available evidence is currently insufficient to determine the role of this variant in disease. Therefore, it has been classified as a Variant of Uncertain Significance.

NM_020750.3(XPO5):c.2152C>T (p.Arg718Cys)

Genes: POLR1C (RNA polymerase I and III subunit C; plus strand), XPO5 (exportin 5; minus strand), LOC126859677 (BRD4-independent group 4 enhancer GRCh37_chr6:43514706-43515905; plus strand). Cytogenetic location: 6p21.1.
Variant type: single nucleotide variant.
Coding change: c.2152C>T on transcript NM_020750.3 (MANE Select); coding-DNA position 2152, C replaced by T.
Protein change: p.Arg718Cys; replaces arginine 718 with cysteine.
Molecular consequence: missense variant. On other transcripts: non-coding transcript variant (1), intron variant (1).
Genome position (GRCh38, 1-based): chr6:43,547,616, G>A on the plus strand (C>T on the coding strand, the complement: XPO5 is on the minus strand). VCF-style: chr6-43547616-G-A. GRCh37 (hg19) VCF-style: chr6-43515353-G-A.
Other names: c.923-3352G>A (NM_001363658.2); short protein forms R718C.
Identifiers: ClinVar variation 4770954 (VCV004770954.1).